The following is an entry in ClinVar:

ClinVar aggregate classification (germline): Uncertain significance (1 of 4 stars; one submission).

Submission:

Greenwood Genetic Center Diagnostic Laboratories, Greenwood Genetic Center
Classification: Uncertain significance. Last evaluated: 2025-03-24. Review status: criteria provided, single submitter. Criteria: ACMG Guidelines, 2015. Collection method: clinical testing. Allele origin: germline.
Comment: PM2

NM_001348768.2(HECW2):c.550C>T (p.Leu184Phe)

Gene: HECW2 (HECT, C2 and WW domain containing E3 ubiquitin protein ligase 2; minus strand). Cytogenetic location: 2q32.3.
Variant type: single nucleotide variant.
Coding change: c.550C>T on transcript NM_001348768.2 (MANE Select); coding-DNA position 550, C replaced by T.
Protein change: p.Leu184Phe; replaces leucine 184 with phenylalanine.
Molecular consequence: missense variant. On other transcripts: 5 prime UTR variant (1).
Genome position (GRCh38, 1-based): chr2:196,329,596, G>A on the plus strand (C>T on the coding strand, the complement: HECW2 is on the minus strand). VCF-style: chr2-196329596-G-A. GRCh37 (hg19) VCF-style: chr2-197194320-G-A.
Other names: c.-347C>T (NM_001304840.3); c.550C>T, p.Leu184Phe (NM_020760.4); short protein forms L184F.
Identifiers: ClinVar variation 4851727 (VCV004851727.1).